The following is an entry in ClinVar:

NM_000214.3(JAG1):c.3391G>A (p.Ala1131Thr)

Gene: JAG1 (jagged canonical Notch ligand 1; minus strand). Cytogenetic location: 20p12.2.
Variant type: single nucleotide variant.
Coding change: c.3391G>A on transcript NM_000214.3 (MANE Select); coding-DNA position 3391, G replaced by A.
Protein change: p.Ala1131Thr; replaces alanine 1131 with threonine.
Molecular consequence: missense variant.
Genome position (GRCh38, 1-based): chr20:10,639,764, C>T on the plus strand (G>A on the coding strand, the complement: JAG1 is on the minus strand). VCF-style: chr20-10639764-C-T. GRCh37 (hg19) VCF-style: chr20-10620412-C-T.
Other names: c.3391G>A, p.Ala1131Thr (LRG_1191t1); short protein forms A1131T.
Identifiers: ClinVar variation 536530 (VCV000536530.15), dbSNP rs769242977, ClinGen allele CA9764212.

ClinVar aggregate classification (germline): Conflicting classifications of pathogenicity. Review status: criteria provided, conflicting classifications (1 of 4 stars). 4 submissions from 4 submitters: Uncertain significance (1); Likely benign (2). 1 of the submissions does not count toward it. Last evaluated 2025-03-01.

Conditions:
Alagille syndrome due to a JAG1 point mutation. Also called: JAG1-Related Alagille Syndrome; Alagille Syndrome 1; HEPATIC DUCTULAR HYPOPLASIA, SYNDROMATIC. Identifiers: Orphanet 261619, Orphanet 52, MedGen C1956125, MONDO:0016862, OMIM 118450.
JAG1-related disorder. Also called: JAG1-related condition; JAG1-related disorders.
Deafness, congenital heart defects, and posterior embryotoxon (DCHE). Identifiers: MedGen C1866053, MONDO:0060713, OMIM 617992.
Tetralogy of Fallot (TOF). Identifiers: Orphanet 3303, MedGen C0039685, MONDO:0008542, OMIM 187500, HP:0001636.

Allele frequency attached by ClinVar (database versions not stated): gnomAD 0.00003 and 0.00006; gnomAD exomes 0.00003 and 0.00006; TOPMed 0.00006; ExAC 0.00007.
gnomAD v4.1: 52 of 1,614,018 alleles (0.0032%); highest among the groups gnomAD compares: East Asian, 0.085%; 1 homozygote.

Submissions (4):

Labcorp Genetics (formerly Invitae), Labcorp
Classification: Likely benign for Alagille syndrome due to a JAG1 point mutation. Last evaluated: 2025-03-01. Review status: criteria provided, single submitter. Criteria: Invitae Variant Classification Sherloc (09022015). Collection method: clinical testing. Allele origin: germline.

Blueprint Genetics
Classification: Likely benign. Last evaluated: 2024-02-12. Review status: criteria provided, single submitter. Criteria: ACMG Guidelines, 2015. Collection method: clinical testing. Allele origin: germline.

Fulgent Genetics
Classification: Uncertain significance for Alagille syndrome due to a JAG1 point mutation; Tetralogy of Fallot; Deafness, congenital heart defects, and posterior embryotoxon. Last evaluated: 2018-10-31. Review status: criteria provided, single submitter. Criteria: ACMG Guidelines, 2015. Collection method: clinical testing. Allele origin: unknown.

PreventionGenetics, part of Exact Sciences
Classification: Likely benign for JAG1-related condition. Last evaluated: 2024-01-30. Review status: no assertion criteria provided. Collection method: clinical testing. Allele origin: germline. Not counted in ClinVar's aggregate classification.
Comment: This variant is classified as likely benign based on ACMG/AMP sequence variant interpretation guidelines (Richards et al. 2015 PMID: 25741868, with internal and published modifications).